The following is an entry in ClinVar:

NM_004959.5(NR5A1):c.244+4del

Gene: NR5A1 (nuclear receptor subfamily 5 group A member 1; minus strand). Cytogenetic location: 9q33.3.
Variant type: Deletion.
Coding change: c.244+4del on transcript NM_004959.5 (MANE Select); 4 bases into the intron after coding-DNA position 244, one base deleted (C; older notation c.244+4delC).
Molecular consequence: intron variant.
Genome position (GRCh38, 1-based): chr9:124,503,075, G deleted on the plus strand (C on the coding strand, the reverse complement: NR5A1 is on the minus strand). VCF-style (leftmost placement, unchanged base first): chr9-124503074-CG-C. GRCh37 (hg19) VCF-style: chr9-127265353-CG-C.
Identifiers: ClinVar variation 3754514 (VCV003754514.2).
Genomic context (GRCh38, chr9:124,503,074, plus strand): 5'-CCACCCCCACCCCCTACCCCCTCAGGCTGTGGGGGGTCAGGGGTCGAGGCCCGCGCGGCG[CG>C]CACCTTCCAGGCGCATCCCCACCGTCAGGCATTTCTGGAAGCGGCAGAAGGGACAGCGCT-3'

ClinVar aggregate classification (germline): Uncertain significance (1 of 4 stars; one submission).

Conditions:
46 XY differences of sex development. Also called: 46, XY disorder of sex development (DSD); 46,XY disorder of sex development. Identifiers: Orphanet 98085, MedGen C2751824, MONDO:0020040.
Oligosynaptic infertility (SPGF1). Also called: SPERMATOGENIC FAILURE 1; OLIGOCHIASMATIC INFERTILITY. Identifiers: MedGen C0403810, MONDO:0009776, OMIM 258150.

Submission:

Labcorp Genetics (formerly Invitae), Labcorp
Classification: Uncertain significance for 46 XY differences of sex development; Oligosynaptic infertility. Last evaluated: 2025-09-02. Review status: criteria provided, single submitter. Criteria: Invitae Variant Classification Sherloc (09022015). Collection method: clinical testing. Allele origin: germline.
Comment: This sequence change falls in intron 3 of the NR5A1 gene. It does not directly change the encoded amino acid sequence of the NR5A1 protein. It affects a nucleotide within the consensus splice site. This variant is not present in population databases (gnomAD no frequency). This variant has not been reported in the literature in individuals affected with NR5A1-related conditions. ClinVar contains an entry for this variant (Variation ID: 3754514). Variants that disrupt the consensus splice site are a relatively common cause of aberrant splicing (PMID: 17576681, 9536098). Algorithms developed to predict the effect of sequence changes on RNA splicing suggest that this variant may disrupt the consensus splice site. In summary, the available evidence is currently insufficient to determine the role of this variant in disease. Therefore, it has been classified as a Variant of Uncertain Significance.

Literature cited by the submitters: PubMed 17576681; PubMed 9536098.